The following is an entry in ClinVar:

NM_001278716.2(FBXL4):c.871A>G (p.Ile291Val)

Gene: FBXL4 (F-box and leucine rich repeat protein 4; minus strand). Cytogenetic location: 6q16.2.
Variant type: single nucleotide variant.
Coding change: c.871A>G on transcript NM_001278716.2 (MANE Select); coding-DNA position 871, A replaced by G.
Protein change: p.Ile291Val; replaces isoleucine 291 with valine.
Molecular consequence: missense variant. On other transcripts: non-coding transcript variant (2).
Genome position (GRCh38, 1-based): chr6:98,905,658, T>C on the plus strand (A>G on the coding strand, the complement: FBXL4 is on the minus strand). VCF-style: chr6-98905658-T-C. GRCh37 (hg19) VCF-style: chr6-99353534-T-C.
Other names: c.871A>G, p.Ile291Val (NM_012160.5); short protein forms I291V.
Identifiers: ClinVar variation 437645 (VCV000437645.1), dbSNP rs539260316, ClinGen allele CA3933593.
Genomic context (GRCh38, chr6:98,905,658, plus strand): 5'-TCAGTAGTTTGCAAGTCTGTGCTAATCTACACAGGTCTGGTAGTGTAAGATGATTCAGAA[T>C]CAGCTGAATAAGCTAAATAAGACAGAGAAACCAAGATCATCAAGAGTGAAAAGCAGTATC-3'
Protein context (NP_001265645.1, residues 281-301): DKLPYELIQL[Ile291Val]LNHLTLPDLC

ClinVar aggregate classification (germline): Uncertain significance (1 of 4 stars; one submission).

Conditions:
Mitochondrial DNA depletion syndrome 13. Also called: FBXL4-Related Encephalomyopathic Mitochondrial DNA Depletion Syndrome; Mitochondrial DNA depletion syndrome 13 (encephalomyopathic type). Identifiers: Orphanet 369897, MedGen C3809592, MONDO:0014198, OMIM 615471.

Allele frequency attached by ClinVar (database versions not stated): gnomAD exomes 0.00001; ExAC 0.00002; 1000 Genomes Project 0.00020; 1000 Genomes Project 30x 0.00031.
gnomAD v4.1: 7 of 1,613,542 alleles (0.00043%); highest among the groups gnomAD compares: South Asian, 0.0077%; no homozygotes.

Submission:

Wong Mito Lab, Molecular and Human Genetics, Baylor College of Medicine
Classification: Uncertain significance for Mitochondrial DNA depletion syndrome 13. Last evaluated: 2017-08-10. Review status: criteria provided, single submitter. Criteria: ACMG Guidelines, 2015. Collection method: reference population. Allele origin: germline.
Comment: The NM_012160.4:c.871A>G (NP_036292.2:p.Ile291Val) [GRCH38: NC_000006.12:g.98905658T>C] variant in FBXL4 gene is interpretated to be a Uncertain Significance - Insufficient Evidence based on ACMG guidelines (PMID: 25741868). This variant meets one or more of the following evidence codes reported in the ACMG-guideline. PM2:This variant is absent in key population databases. Based on this evidence code ClinGen Pathogenicity Calculator (PMID:28081714) suggested that the variant is Uncertain Significance - Insufficient Evidence.